The following is an entry in ClinVar:

ClinVar aggregate classification (germline): Uncertain significance (1 of 4 stars; one submission).

Conditions:
Hereditary insensitivity to pain with anhidrosis (CIPA). Also called: FAMILIAL DYSAUTONOMIA, TYPE II; NEUROPATHY, CONGENITAL SENSORY, WITH ANHIDROSIS; hereditary sensory and autonomic neuropathy type 4; HSAN Type IV; INSENSITIVITY TO PAIN, CONGENITAL, WITH ANHIDROSIS; NTRK1 Congenital Insensitivity to Pain with Anhidrosis. Identifiers: Orphanet 642, MedGen C0020074, MONDO:0009746, OMIM 256800.

Allele frequency attached by ClinVar (database versions not stated): TOPMed below 0.00001.

Submission:

Labcorp Genetics (formerly Invitae), Labcorp
Classification: Uncertain significance for Hereditary insensitivity to pain with anhidrosis. Last evaluated: 2023-12-28. Review status: criteria provided, single submitter. Criteria: Invitae Variant Classification Sherloc (09022015). Collection method: clinical testing. Allele origin: germline.
Comment: This sequence change replaces alanine, which is neutral and non-polar, with threonine, which is neutral and polar, at codon 415 of the NTRK1 protein (p.Ala415Thr). This variant is not present in population databases (gnomAD no frequency). This variant has not been reported in the literature in individuals affected with NTRK1-related conditions. Advanced modeling of protein sequence and biophysical properties (such as structural, functional, and spatial information, amino acid conservation, physicochemical variation, residue mobility, and thermodynamic stability) performed at Invitae indicates that this missense variant is not expected to disrupt NTRK1 protein function with a negative predictive value of 95%. In summary, the available evidence is currently insufficient to determine the role of this variant in disease. Therefore, it has been classified as a Variant of Uncertain Significance.

NM_002529.4(NTRK1):c.1261G>A (p.Ala421Thr)

Gene: NTRK1 (neurotrophic receptor tyrosine kinase 1; plus strand). Cytogenetic location: 1q23.1.
Variant type: single nucleotide variant.
Coding change: c.1261G>A on transcript NM_002529.4 (MANE Select); coding-DNA position 1261, G replaced by A.
Protein change: p.Ala421Thr; replaces alanine 421 with threonine.
Molecular consequence: missense variant.
Genome position (GRCh38, 1-based): chr1:156,874,915, G>A. VCF-style: chr1-156874915-G-A. GRCh37 (hg19) VCF-style: chr1-156844707-G-A.
Other names: c.1261G>A, p.Ala421Thr (NM_001007204.1); c.1153G>A, p.Ala385Thr (NM_001007792.1); c.1243G>A, p.Ala415Thr (NM_001012331.2); short protein forms A385T, A415T, A421T.
Identifiers: ClinVar variation 2761450 (VCV002761450.3), dbSNP rs1647804121, ClinGen allele CA342936830.